The following is an entry in ClinVar:

NM_138295.5(PKD1L1):c.4092+3_4092+4dup

Gene: PKD1L1 (polycystin 1 like 1, transient receptor potential channel interacting; minus strand). Cytogenetic location: 7p12.3.
Variant type: Duplication.
Coding change: c.4092+3_4092+4dup on transcript NM_138295.5 (MANE Select); bases 3 to 4 of the intron after coding-DNA position 4092, 2 bases duplicated (AT; older notation c.4092+3_4092+4dupAT).
Molecular consequence: splice donor variant.
Genome position (GRCh38, 1-based): chr7:47,866,415-47,866,416, AT duplicated on the plus strand (AT on the coding strand, the reverse complement: PKD1L1 is on the minus strand); duplicating any 2 consecutive bases within chr7:47,866,415-47,866,417 gives the same sequence; the c. name uses the placement nearest the transcript's 3' end. VCF-style (leftmost placement, unchanged base first): chr7-47866414-C-CAT. GRCh37 (hg19) VCF-style: chr7-47906012-C-CAT.
Identifiers: ClinVar variation 4993602 (VCV004993602.1).
Genomic context (GRCh38, chr7:47,866,414, plus strand): 5'-AGTCATGAGCCCTGCCACTTGATAAAGGTTTACAGACACTAAACTCACCCTCCTCTGAGC[C>CAT]ATACCTGATCTACAAAAGCCAATCTGCATACTGAAGAAATTAATGCATCCTGTATTCGTG-3'

ClinVar aggregate classification (germline): Uncertain significance (1 of 4 stars; one submission).

Conditions:
PKD1L1-related disorder. Also called: PKD1L1-related condition.

Submission:

PreventionGenetics, part of Exact Sciences
Classification: Uncertain significance for PKD1L1-related condition. Last evaluated: 2025-08-22. Review status: criteria provided, single submitter. Criteria: ACMG Guidelines, 2015. Collection method: clinical testing. Allele origin: germline.
Comment: The PKD1L1 c.4092+3_4092+4dupAT variant is predicted to result in an intronic duplication. This variant is predicted to alter splicing based on available splicing prediction programs (SpliceAI, Jaganathan et al. 2019. PubMed ID: 30661751). To our knowledge, this variant has not been reported in the literature or in a large population database (gnomAD), indicating this variant is rare. At this time, the clinical significance of this variant is uncertain due to the absence of conclusive functional and genetic evidence.